The following is an entry in ClinVar:

NM_001291746.2(REL):c.1632T>C (p.Asn544=)

Gene: REL (REL proto-oncogene, NF-kB subunit; plus strand). Cytogenetic location: 2p16.1.
Variant type: single nucleotide variant.
Coding change: c.1632T>C on transcript NM_001291746.2 (MANE Select); coding-DNA position 1632, T replaced by C.
Protein change: p.Asn544=; no amino-acid change (asparagine 544 retained).
Molecular consequence: synonymous variant.
Genome position (GRCh38, 1-based): chr2:60,922,403, T>C. VCF-style: chr2-60922403-T-C. GRCh37 (hg19) VCF-style: chr2-61149538-T-C.
Other names: c.1728T>C, p.Asn576= (NM_002908.4).
Identifiers: ClinVar variation 783329 (VCV000783329.12), dbSNP rs78586857, ClinGen allele CA1672507.

ClinVar aggregate classification (germline): Benign/Likely benign. Review status: criteria provided, multiple submitters, no conflicts (2 of 4 stars). 5 submissions from 5 submitters: Benign (2); Likely benign (3). Last evaluated 2026-07-01.

Allele frequency attached by ClinVar (database versions not stated): gnomAD 0.00407 and 0.00426; TOPMed 0.00437; 1000 Genomes Project 30x 0.00484; 1000 Genomes Project 0.00499; ESP Exome Variant Server 0.00638; gnomAD exomes 0.00043 and 0.00110; ExAC 0.00140.
gnomAD v4.1: 1,273 of 1,614,110 alleles (0.079%); highest among the groups gnomAD compares: African/African-American, 1.4%; 10 homozygotes.

Submissions (5):

CeGaT Center for Human Genetics Tuebingen
Classification: Likely benign. Last evaluated: 2026-07-01. Review status: criteria provided, single submitter. Criteria: CeGaT Center For Human Genetics Tuebingen Variant Classification Criteria Version 2. Collection method: clinical testing. Allele origin: germline. Affected: yes. Observed: 1 variant allele.
Comment: REL: BP4, BP7, BS1

Labcorp Genetics (formerly Invitae), Labcorp
Classification: Benign. Last evaluated: 2026-01-24. Review status: criteria provided, single submitter. Criteria: Invitae Variant Classification Sherloc (09022015). Collection method: clinical testing. Allele origin: germline.

Women's Health and Genetics/Laboratory Corporation of America, LabCorp
Classification: Likely benign. Last evaluated: 2026-01-23. Review status: criteria provided, single submitter. Criteria: LabCorp Variant Classification Summary - May 2015. Collection method: clinical testing. Allele origin: germline.

Blueprint Genetics
Classification: Likely benign. Last evaluated: 2024-11-13. Review status: criteria provided, single submitter. Criteria: ACMG Guidelines, 2015. Collection method: clinical testing. Allele origin: germline.

Breakthrough Genomics
Classification: Benign. Review status: criteria provided, single submitter. Criteria: ACMG Guidelines, 2015. Collection method: not provided. Allele origin: germline. Inheritance: Autosomal recessive inheritance. Affected: yes.